The following is an entry in ClinVar:

ClinVar aggregate classification (germline): Conflicting classifications of pathogenicity. Review status: criteria provided, conflicting classifications (1 of 4 stars). 9 submissions from 9 submitters: Uncertain significance (3); Likely benign (6). Last evaluated 2026-01-26.

Conditions:
CHD7-related disorder. Also called: CHD7-related condition.
Inborn genetic diseases. Identifiers: MedGen C0950123, MeSH D030342.
CHARGE syndrome (CHARGE). Also called: Hittner Hirsch Kreh syndrome; Coloboma, heart anomaly, choanal atresia, retardation, genital and ear anomalies; CHARGE association; Hall-Hittner syndrome; CHARGE ASSOCIATION--COLOBOMA, HEART ANOMALY, CHOANAL ATRESIA, RETARDATION, GENITAL AND EAR ANOMALIES. Identifiers: Orphanet 138, MedGen C0265354, MONDO:0008965.

Allele frequency attached by ClinVar (database versions not stated): ESP Exome Variant Server 0.00016; gnomAD 0.00022 and 0.00021; TOPMed 0.00022; 1000 Genomes Project 0.00060; gnomAD exomes 0.00005 and 0.00004; ExAC 0.00011; 1000 Genomes Project 30x 0.00062.
gnomAD v4.1: 115 of 1,610,066 alleles (0.0071%); highest among the groups gnomAD compares: African/African-American, 0.092%; no homozygotes.

Submissions (9):

Labcorp Genetics (formerly Invitae), Labcorp
Classification: Likely benign for CHARGE syndrome. Last evaluated: 2026-01-26. Review status: criteria provided, single submitter. Criteria: Invitae Variant Classification Sherloc (09022015). Collection method: clinical testing. Allele origin: germline.

Blueprint Genetics
Classification: Likely benign. Last evaluated: 2024-11-13. Review status: criteria provided, single submitter. Criteria: ACMG Guidelines, 2015. Collection method: clinical testing. Allele origin: germline.

CeGaT Center for Human Genetics Tuebingen
Classification: Likely benign. Last evaluated: 2024-11-01. Review status: criteria provided, single submitter. Criteria: CeGaT Center For Human Genetics Tuebingen Variant Classification Criteria Version 2. Collection method: clinical testing. Allele origin: germline. Affected: yes. Observed: 2 variant alleles.
Comment: CHD7: BP1, BP4, BS2

PreventionGenetics, part of Exact Sciences
Classification: Likely benign for CHD7-related condition. Last evaluated: 2024-10-28. Review status: criteria provided, single submitter. Criteria: ACMG Guidelines, 2015. Collection method: clinical testing. Allele origin: germline.
Comment: This variant is classified as likely benign based on ACMG/AMP sequence variant interpretation guidelines (Richards et al. 2015 PMID: 25741868, with internal and published modifications).

GeneDx
Classification: Likely benign. Last evaluated: 2020-12-28. Review status: criteria provided, single submitter. Criteria: GeneDx Variant Classification Process June 2021. Collection method: clinical testing. Allele origin: germline. Affected: yes.
Comment: This variant is associated with the following publications: (PMID: 33270637)

Genetic Services Laboratory, University of Chicago
Classification: Uncertain significance. Last evaluated: 2019-11-25. Review status: criteria provided, single submitter. Criteria: ACMG Guidelines, 2015. Collection method: clinical testing. Allele origin: germline. Affected: no.

Revvity Omics, Revvity
Classification: Uncertain significance. Last evaluated: 2019-04-10. Review status: criteria provided, single submitter. Criteria: ACMG Guidelines, 2015. Collection method: clinical testing. Allele origin: germline.

Ambry Genetics
Classification: Likely benign for Inborn genetic diseases. Last evaluated: 2017-09-21. Review status: criteria provided, single submitter. Criteria: Ambry Variant Classification Scheme 2023. Collection method: clinical testing. Allele origin: germline.

Eurofins Ntd Llc (ga)
Classification: Uncertain significance. Last evaluated: 2013-10-16. Review status: criteria provided, single submitter. Criteria: EGL Classification Definitions 2015. Collection method: clinical testing. Allele origin: germline. Observed: 1 variant allele, 1 heterozygote.

NM_017780.4(CHD7):c.7085G>A (p.Ser2362Asn)

Gene: CHD7 (chromodomain helicase DNA binding protein 7; plus strand). Cytogenetic location: 8q12.2.
Variant type: single nucleotide variant.
Coding change: c.7085G>A on transcript NM_017780.4 (MANE Select); coding-DNA position 7085, G replaced by A.
Protein change: p.Ser2362Asn; replaces serine 2362 with asparagine.
Molecular consequence: missense variant. On other transcripts: intron variant (1).
Genome position (GRCh38, 1-based): chr8:60,856,123, G>A. VCF-style: chr8-60856123-G-A. GRCh37 (hg19) VCF-style: chr8-61768682-G-A.
Other names: c.1717-6106G>A (NM_001316690.1); short protein forms S2362N.
Identifiers: ClinVar variation 95809 (VCV000095809.48), dbSNP rs139876661, ClinGen allele CA223324.
Genomic context (GRCh38, chr8:60,856,123, plus strand): 5'-TCCAAGGCCTCATCCCAGGTTACACACCCACCACAGTGGACAGCCCCTTGCAGAAGAGGA[G>A]CTTTGCTGAGCTCTCCATGGTCGGCCAAGCCAGCATTAGTGGGAGTGAGGACATCACTAC-3'
Protein context (NP_060250.2, residues 2352-2372): TTVDSPLQKR[Ser2362Asn]FAELSMVGQA